The following is an entry in ClinVar:

Conditions:
Breast-ovarian cancer, familial, susceptibility to, 1 (BROVCA1). Also called: BRCA1 Hereditary Breast and Ovarian Cancer; OVARIAN CANCER, SUSCEPTIBILITY TO. Identifiers: Orphanet 145, MedGen C2676676, MONDO:0011450, OMIM 604370. Disease mechanism: loss of function.

Allele frequency attached by ClinVar (database versions not stated): TOPMed below 0.00001.

Submission:

Brotman Baty Institute, University of Washington
No classification provided (evidence only). Condition: Breast-ovarian cancer, familial 1. Review status: no classification provided. Collection method: in vitro. Allele origin: not applicable. Functional consequence: functionally_normal.
ClinVar note: "not provided" was previously submitted as the classification for the variant. However, the classification appeared to be based only on an observation of functional data so it was converted to no classification on 2025-07-30.

NM_007294.4(BRCA1):c.5332+20C>T

Gene: BRCA1 (BRCA1 DNA repair associated; minus strand). Cytogenetic location: 17q21.31.
Variant type: single nucleotide variant.
Coding change: c.5332+20C>T on transcript NM_007294.4 (MANE Select); 20 bases into the intron after coding-DNA position 5332, C replaced by T.
Molecular consequence: intron variant.
Genome position (GRCh38, 1-based): chr17:43,051,043, G>A on the plus strand (C>T on the coding strand, the complement: BRCA1 is on the minus strand). VCF-style: chr17-43051043-G-A. GRCh37 (hg19) VCF-style: chr17-41203060-G-A.
Other names: c.1879+20C>T (NM_001408458.1, NM_001408461.1, NM_001408464.1 and 7 more transcripts); c.4441+20C>T (NM_001407967.1); c.4951+20C>T (NM_001407959.1); c.5065+20C>T (NM_001407931.1, NM_001407932.1, NM_001407928.1 and 4 more transcripts); c.5188+20C>T (NM_001407747.1, NM_001407745.1, NM_001407737.1 and 21 more transcripts); c.4948+20C>T (NM_001407962.1, NM_001407960.1); c.1519+20C>T (NM_001408512.1); c.1642+20C>T (NM_001408510.1); and 74 more.
Identifiers: ClinVar variation 868007 (VCV000868007.3), dbSNP rs1057521961, ClinGen allele CA916080957.